The following is an entry in ClinVar:

ClinVar aggregate classification (germline): Uncertain significance (1 of 4 stars; one submission).

Allele frequency attached by ClinVar (database versions not stated): gnomAD exomes below 0.00001 and 0.00002; gnomAD 0.00001; TOPMed 0.00001.
gnomAD v4.1: 26 of 1,612,704 alleles (0.0016%); highest among the groups gnomAD compares: Non-Finnish European, 0.0022%; no homozygotes.

Submission:

Labcorp Genetics (formerly Invitae), Labcorp
Classification: Uncertain significance. Last evaluated: 2024-10-30. Review status: criteria provided, single submitter. Criteria: Invitae Variant Classification Sherloc (09022015). Collection method: clinical testing. Allele origin: germline.
Comment: This sequence change replaces alanine, which is neutral and non-polar, with threonine, which is neutral and polar, at codon 1737 of the ASPM protein (p.Ala1737Thr). This variant is present in population databases (no rsID available, gnomAD 0.0009%). This variant has not been reported in the literature in individuals affected with ASPM-related conditions. ClinVar contains an entry for this variant (Variation ID: 1385171). Invitae Evidence Modeling of protein sequence and biophysical properties (such as structural, functional, and spatial information, amino acid conservation, physicochemical variation, residue mobility, and thermodynamic stability) indicates that this missense variant is not expected to disrupt ASPM protein function with a negative predictive value of 80%. In summary, the available evidence is currently insufficient to determine the role of this variant in disease. Therefore, it has been classified as a Variant of Uncertain Significance.

NM_018136.5(ASPM):c.5209G>A (p.Ala1737Thr)

Gene: ASPM (assembly factor for spindle microtubules; minus strand). Cytogenetic location: 1q31.3.
Variant type: single nucleotide variant.
Coding change: c.5209G>A on transcript NM_018136.5 (MANE Select); coding-DNA position 5209, G replaced by A.
Protein change: p.Ala1737Thr; replaces alanine 1737 with threonine.
Molecular consequence: missense variant. On other transcripts: intron variant (1).
Genome position (GRCh38, 1-based): chr1:197,104,042, C>T on the plus strand (G>A on the coding strand, the complement: ASPM is on the minus strand). VCF-style: chr1-197104042-C-T. GRCh37 (hg19) VCF-style: chr1-197073172-C-T.
Other names: c.4066-7878G>A (NM_001206846.2); short protein forms A1737T.
Identifiers: ClinVar variation 1385171 (VCV001385171.6), dbSNP rs1440991737, ClinGen allele CA344027294.